The following is an entry in ClinVar:

NM_000535.7(PMS2):c.2266G>C (p.Asp756His)

Gene: PMS2 (PMS1 homolog 2, mismatch repair system component; minus strand). Cytogenetic location: 7p22.1.
Variant type: single nucleotide variant.
Coding change: c.2266G>C on transcript NM_000535.7 (MANE Select); coding-DNA position 2266, G replaced by C.
Protein change: p.Asp756His; replaces aspartic acid 756 with histidine.
Molecular consequence: missense variant. On other transcripts: non-coding transcript variant (1), intron variant (2).
Genome position (GRCh38, 1-based): chr7:5,978,605, C>G on the plus strand (G>C on the coding strand, the complement: PMS2 is on the minus strand). VCF-style: chr7-5978605-C-G. GRCh37 (hg19) VCF-style: chr7-6018236-C-G.
Other names: c.1861G>C, p.Asp621His (NM_001322003.2, NM_001322004.2, NM_001322005.2 and 14 more transcripts); c.2110G>C, p.Asp704His (NM_001322006.2, NM_001406870.1); c.1948G>C, p.Asp650His (NM_001322007.2, NM_001322008.2, NM_001406876.1 and 1 more transcripts); c.1705G>C, p.Asp569His (NM_001322010.2, NM_001406906.1, NM_001406907.1); c.1333G>C, p.Asp445His (NM_001322011.2, NM_001322012.2); c.1693G>C, p.Asp565His (NM_001322013.2, NM_001406908.1, NM_001406909.1); c.2266G>C, p.Asp756His (NM_001322014.2); c.1957G>C, p.Asp653His (NM_001322015.2, NM_001406875.1, NM_001406877.1 and 5 more transcripts); and 16 more; short protein forms D355H, D445H, D499H, D565H, D569H, D585H, D594H, D598H.
Identifiers: ClinVar variation 4798036 (VCV004798036.1).
Genomic context (GRCh38, chr7:5,978,605, plus strand): 5'-ACAGACGTGAGCCACCACACCCAGCCGCTATAGTTCTAATTAATAACTTACCATTTTCAT[C>G]GATAACAAAATCAAAGCCATTCTTTCTAAATATTTCCAGATTTTCTATCAGAACAGCTTC-3'
Protein context (NP_000526.2, residues 746-766): FRKNGFDFVI[Asp756His]ENAPVTERAK

ClinVar aggregate classification (germline): Uncertain significance (1 of 4 stars; one submission).

Conditions:
Hereditary nonpolyposis colorectal neoplasms. Identifiers: MedGen C0009405, MeSH D003123.

Submission:

Labcorp Genetics (formerly Invitae), Labcorp
Classification: Uncertain significance for Hereditary nonpolyposis colorectal neoplasms. Last evaluated: 2025-03-23. Review status: criteria provided, single submitter. Criteria: Invitae Variant Classification Sherloc (09022015). Collection method: clinical testing. Allele origin: germline.
Comment: This sequence change replaces aspartic acid, which is acidic and polar, with histidine, which is basic and polar, at codon 756 of the PMS2 protein (p.Asp756His). The frequency data for this variant in the population databases (gnomAD) is considered unreliable due to the presence of homologous sequence, such as pseudogenes or paralogs, in the genome. This variant has not been reported in the literature in individuals affected with PMS2-related conditions. Invitae Evidence Modeling incorporating data from in vitro experimental studies (internal data) indicates that this missense variant is not expected to disrupt PMS2 function with a negative predictive value of 95%. In summary, the available evidence is currently insufficient to determine the role of this variant in disease. Therefore, it has been classified as a Variant of Uncertain Significance.